The following is an entry in ClinVar:

ClinVar aggregate classification (germline): Uncertain significance. Review status: criteria provided, multiple submitters, no conflicts (2 of 4 stars). 3 submissions from 3 submitters: Uncertain significance (3). Last evaluated 2025-09-21.

Conditions:
Autosomal recessive nonsyndromic hearing loss 25. Identifiers: Orphanet 90636, MedGen C1414017, MONDO:0013210, OMIM 613285.
Inborn genetic diseases. Identifiers: MedGen C0950123, MeSH D030342.

gnomAD v4.1: 8 of 1,613,888 alleles (0.0005%); highest among the groups gnomAD compares: Admixed American, 0.0067%; no homozygotes.

Submissions (3):

Laboratorio de Genetica e Diagnostico Molecular, Hospital Israelita Albert Einstein
Classification: Uncertain significance for Autosomal recessive nonsyndromic hearing loss 25. Last evaluated: 2025-09-21. Review status: criteria provided, single submitter. Criteria: ACMG Guidelines, 2015. Collection method: clinical testing. Allele origin: germline. Affected: yes.
Comment: ACMG classification criteria: PM2 supporting, BP4 supporting

Ambry Genetics
Classification: Uncertain significance for Inborn genetic diseases. Last evaluated: 2024-07-09. Review status: criteria provided, single submitter. Criteria: Ambry Variant Classification Scheme 2023. Collection method: clinical testing. Allele origin: germline.

Labcorp Genetics (formerly Invitae), Labcorp
Classification: Uncertain significance. Last evaluated: 2022-08-05. Review status: criteria provided, single submitter. Criteria: Invitae Variant Classification Sherloc (09022015). Collection method: clinical testing. Allele origin: germline.
Comment: In summary, the available evidence is currently insufficient to determine the role of this variant in disease. Therefore, it has been classified as a Variant of Uncertain Significance. Algorithms developed to predict the effect of missense changes on protein structure and function are either unavailable or do not agree on the potential impact of this missense change (SIFT: "Deleterious"; PolyPhen-2: "Possibly Damaging"; Align-GVGD: "Class C0"). This variant has not been reported in the literature in individuals affected with GRXCR1-related conditions. This variant is present in population databases (rs376573747, gnomAD 0.009%). This sequence change replaces threonine, which is neutral and polar, with lysine, which is basic and polar, at codon 275 of the GRXCR1 protein (p.Thr275Lys).

NM_001080476.3(GRXCR1):c.824C>A (p.Thr275Lys)

Gene: GRXCR1 (glutaredoxin and cysteine rich domain containing 1; plus strand). Cytogenetic location: 4p13.
Variant type: single nucleotide variant.
Coding change: c.824C>A on transcript NM_001080476.3 (MANE Select); coding-DNA position 824, C replaced by A.
Protein change: p.Thr275Lys; replaces threonine 275 with lysine.
Molecular consequence: missense variant.
Genome position (GRCh38, 1-based): chr4:43,030,491, C>A. VCF-style: chr4-43030491-C-A. GRCh37 (hg19) VCF-style: chr4-43032508-C-A.
Other names: c.824C>A (NM_001080476.2); short protein forms T275K.
Identifiers: ClinVar variation 1960922 (VCV001960922.7), dbSNP rs376573747, ClinGen allele CA2904537.
Genomic context (GRCh38, chr4:43,030,491, plus strand): 5'-GGAGCAAGATGTCCATGTTTCGAAACTGCTTCACAGACTCTTTCAAAGCCCTGAAGTGTA[C>A]GGCTTGCAATGAAAATGGTCTTCAGCGTTGTAAGAACTGTGCTGGTTAATTGGAGCTTCT-3'
Protein context (NP_001073945.1, residues 265-285): FTDSFKALKC[Thr275Lys]ACNENGLQRC